The following is an entry in ClinVar:

ClinVar aggregate classification (germline): Benign. Review status: criteria provided, single submitter (1 of 4 stars). 2 submissions from 2 submitters: Benign (1). 1 of the submissions does not count toward it. Last evaluated 2018-07-19.

Conditions:
PLXNA3-related disorder. Also called: PLXNA3-related condition.

Allele frequency attached by ClinVar (database versions not stated): TOPMed 0.00066; gnomAD 0.00081 and 0.00087; gnomAD exomes 0.00086 and 0.00142; ExAC 0.00095; ESP Exome Variant Server 0.00095.
gnomAD v4.1: 1,622 of 1,207,905 alleles (0.13%); highest among the groups gnomAD compares: Non-Finnish European, 0.17%; 2 homozygotes.

Submissions (2):

Labcorp Genetics (formerly Invitae), Labcorp
Classification: Benign. Last evaluated: 2018-07-19. Review status: criteria provided, single submitter. Criteria: Invitae Variant Classification Sherloc (09022015). Collection method: clinical testing. Allele origin: germline.

PreventionGenetics, part of Exact Sciences
Classification: Likely benign for PLXNA3-related condition. Last evaluated: 2019-08-28. Review status: no assertion criteria provided. Collection method: clinical testing. Allele origin: germline. Not counted in ClinVar's aggregate classification.
Comment: This variant is classified as likely benign based on ACMG/AMP sequence variant interpretation guidelines (Richards et al. 2015 PMID: 25741868, with internal and published modifications).

NM_017514.5(PLXNA3):c.2469G>A (p.Pro823=)

Gene: PLXNA3 (plexin A3; plus strand). Cytogenetic location: Xq28.
Variant type: single nucleotide variant.
Coding change: c.2469G>A on transcript NM_017514.5 (MANE Select); coding-DNA position 2469, G replaced by A.
Protein change: p.Pro823=; no amino-acid change (proline 823 retained).
Molecular consequence: synonymous variant.
Genome position (GRCh38, 1-based): chrX:154,465,784, G>A. VCF-style: chrX-154465784-G-A. GRCh37 (hg19) VCF-style: chrX-153694127-G-A.
Identifiers: ClinVar variation 733390 (VCV000733390.5), dbSNP rs145475407, ClinGen allele CA10564382.
Genomic context (GRCh38, chrX:154,465,784, plus strand): 5'-CAACTGTGGCTGGTGCATCTCAGAGCACAGGTGCCAGCTGCGGACCCACTGCCCGGCCCC[G>A]AAGACCAACTGGATGCACCTGAGCCAGAAGGGCACCCGGTGCAGCCACCCCCGCATCACG-3'
Protein context (NP_059984.3, residues 813-833): RCQLRTHCPA[Pro823=]KTNWMHLSQK